The following is an entry in ClinVar:

NM_000350.3(ABCA4):c.4123G>A (p.Ala1375Thr)

Gene: ABCA4 (ATP binding cassette subfamily A member 4; minus strand). Cytogenetic location: 1p22.1.
Variant type: single nucleotide variant.
Coding change: c.4123G>A on transcript NM_000350.3 (MANE Select); coding-DNA position 4123, G replaced by A.
Protein change: p.Ala1375Thr; replaces alanine 1375 with threonine.
Molecular consequence: missense variant.
Genome position (GRCh38, 1-based): chr1:94,031,783, C>T on the plus strand (G>A on the coding strand, the complement: ABCA4 is on the minus strand). VCF-style: chr1-94031783-C-T. GRCh37 (hg19) VCF-style: chr1-94497339-C-T.
Other names: c.3901G>A, p.Ala1301Thr (NM_001425324.1); short protein forms A1375T, A1301T.
Identifiers: ClinVar variation 2092284 (VCV002092284.4), dbSNP rs2523732681, ClinGen allele CA341286714.
Genomic context (GRCh38, chr1:94,031,783, plus strand): 5'-GGAAGGCTGGGAGAGGAGCCACTGAGCTCAGCTAAACACCGACCGACAATAGTACCTGCG[C>T]CAGGAAGTCCTTGTGGCTGCGGATGGTGTGTTGGAATCTCTTGACCAGCAGCGCCTGCAC-3'
Protein context (NP_000341.2, residues 1365-1385): HTIRSHKDFL[Ala1375Thr]QIVLPATFVF

ClinVar aggregate classification (germline): Likely pathogenic (1 of 4 stars; one submission).

Allele frequency attached by ClinVar (database versions not stated): gnomAD exomes below 0.00001.
gnomAD v4.1: 2 of 1,613,652 alleles (0.00012%); highest among the groups gnomAD compares: Non-Finnish European, 0.00017%; no homozygotes.

Submission:

Labcorp Genetics (formerly Invitae), Labcorp
Classification: Likely pathogenic. Last evaluated: 2024-10-15. Review status: criteria provided, single submitter. Criteria: Invitae Variant Classification Sherloc (09022015). Collection method: clinical testing. Allele origin: germline.
Comment: This sequence change replaces alanine, which is neutral and non-polar, with threonine, which is neutral and polar, at codon 1375 of the ABCA4 protein (p.Ala1375Thr). This variant is not present in population databases (gnomAD no frequency). This variant has not been reported in the literature in individuals affected with ABCA4-related conditions. ClinVar contains an entry for this variant (Variation ID: 2092284). Invitae Evidence Modeling of protein sequence and biophysical properties (such as structural, functional, and spatial information, amino acid conservation, physicochemical variation, residue mobility, and thermodynamic stability) indicates that this missense variant is expected to disrupt ABCA4 protein function with a positive predictive value of 95%. This variant disrupts the p.Ala1375 amino acid residue in ABCA4. Other variant(s) that disrupt this residue have been determined to be pathogenic (PMID: 28559085, 34073554). This suggests that this residue is clinically significant, and that variants that disrupt this residue are likely to be disease-causing. In summary, the currently available evidence indicates that the variant is pathogenic, but additional data are needed to prove that conclusively. Therefore, this variant has been classified as Likely Pathogenic.

Literature cited by the submitters: PubMed 28559085; PubMed 34073554.